The following is an entry in ClinVar:

ClinVar aggregate classification (germline): Uncertain significance. Review status: criteria provided, multiple submitters, no conflicts (2 of 4 stars). 2 submissions from 2 submitters: Uncertain significance (2). Last evaluated 2025-09-29.

Conditions:
Inborn genetic diseases. Identifiers: MedGen C0950123, MeSH D030342.

Allele frequency attached by ClinVar (database versions not stated): TOPMed below 0.00001; gnomAD 0.00001.
gnomAD v4.1: 6 of 1,613,234 alleles (0.00037%); highest among the groups gnomAD compares: Admixed American, 0.0067%; no homozygotes.

Submissions (2):

Dasa
Classification: Uncertain significance. Last evaluated: 2025-09-29. Review status: criteria provided, single submitter. Criteria: DASA Assertion Criteria. Collection method: clinical testing. Allele origin: germline.
Comment: NM_001348716.2(KDM6B):c.1282C>G (p.Pro428Ala) is a missense variant that results in the substitution of proline with alanine. This variant is rare in population databases. Computational prediction algorithms are consistent with a benign effect. The currently available literature and clinical evidence are not sufficient to establish a definitive association between this variant and the reported condition. Therefore, this variant is classified as a variant of uncertain significance.

Ambry Genetics
Classification: Uncertain significance for Inborn genetic diseases. Last evaluated: 2023-01-23. Review status: criteria provided, single submitter. Criteria: Ambry Variant Classification Scheme 2023. Collection method: clinical testing. Allele origin: germline.

NM_001348716.2(KDM6B):c.1282C>G (p.Pro428Ala)

Gene: KDM6B (lysine demethylase 6B; plus strand). Cytogenetic location: 17p13.1.
Variant type: single nucleotide variant.
Coding change: c.1282C>G on transcript NM_001348716.2 (MANE Select); coding-DNA position 1282, C replaced by G.
Protein change: p.Pro428Ala; replaces proline 428 with alanine.
Molecular consequence: missense variant.
Genome position (GRCh38, 1-based): chr17:7,847,570, C>G. VCF-style: chr17-7847570-C-G. GRCh37 (hg19) VCF-style: chr17-7750888-C-G.
Other names: c.1282C>G, p.Pro428Ala (NM_001080424.2); short protein forms P428A.
Identifiers: ClinVar variation 2477770 (VCV002477770.4), dbSNP rs769456998, ClinGen allele CA397916430.